The following is an entry in ClinVar:

ClinVar aggregate classification (germline): Uncertain significance. Review status: criteria provided, single submitter (1 of 4 stars). 2 submissions from 2 submitters: Uncertain significance (1). 1 of the submissions does not count toward it. Last evaluated 2025-12-23.

Conditions:
MAGEL2-related disorder. Also called: MAGEL2-related condition.

Allele frequency attached by ClinVar (database versions not stated): ExAC 0.00001; gnomAD 0.00001; gnomAD exomes 0.00001; TOPMed 0.00001; ESP Exome Variant Server 0.00008.
gnomAD v4.1: 15 of 1,613,764 alleles (0.00093%); highest among the groups gnomAD compares: Admixed American, 0.0017%; no homozygotes.

Submissions (2):

Labcorp Genetics (formerly Invitae), Labcorp
Classification: Uncertain significance. Last evaluated: 2025-12-23. Review status: criteria provided, single submitter. Criteria: Invitae Variant Classification Sherloc (09022015). Collection method: clinical testing. Allele origin: germline.
Comment: This sequence change replaces arginine, which is basic and polar, with glutamine, which is neutral and polar, at codon 766 of the MAGEL2 protein (p.Arg766Gln). This variant is present in population databases (rs374826043, gnomAD 0.003%). This variant has not been reported in the literature in individuals affected with MAGEL2-related conditions. ClinVar contains an entry for this variant (Variation ID: 3052077). Invitae Evidence Modeling of protein sequence and biophysical properties (such as structural, functional, and spatial information, amino acid conservation, physicochemical variation, residue mobility, and thermodynamic stability) indicates that this missense variant is not expected to disrupt MAGEL2 protein function with a negative predictive value of 80%. In summary, the available evidence is currently insufficient to determine the role of this variant in disease. Therefore, it has been classified as a Variant of Uncertain Significance.

PreventionGenetics, part of Exact Sciences
Classification: Uncertain significance for MAGEL2-related condition. Last evaluated: 2024-02-05. Review status: no assertion criteria provided. Collection method: clinical testing. Allele origin: germline. Not counted in ClinVar's aggregate classification.
Comment: The MAGEL2 c.2297G>A variant is predicted to result in the amino acid substitution p.Arg766Gln. To our knowledge, this variant has not been reported in the literature. This variant is reported in 0.0029% of alleles in individuals of Latino descent in gnomAD. At this time, the clinical significance of this variant is uncertain due to the absence of conclusive functional and genetic evidence.

NM_019066.5(MAGEL2):c.2297G>A (p.Arg766Gln)

Gene: MAGEL2 (MAGE family member L2; minus strand). Cytogenetic location: 15q11.2.
Variant type: single nucleotide variant.
Coding change: c.2297G>A on transcript NM_019066.5 (MANE Select); coding-DNA position 2297, G replaced by A.
Protein change: p.Arg766Gln; replaces arginine 766 with glutamine.
Molecular consequence: missense variant.
Genome position (GRCh38, 1-based): chr15:23,645,446, C>T on the plus strand (G>A on the coding strand, the complement: MAGEL2 is on the minus strand). VCF-style: chr15-23645446-C-T. GRCh37 (hg19) VCF-style: chr15-23890593-C-T.
Other names: short protein forms R766Q.
Identifiers: ClinVar variation 3052077 (VCV003052077.3), dbSNP rs374826043, ClinGen allele CA7429916.